The following is an entry in ClinVar:

ClinVar aggregate classification (germline): Likely pathogenic (1 of 4 stars; one submission).

Conditions:
Short stature, Dauber-Argente type. Identifiers: MedGen C5561968, MONDO:0859182, OMIM 619489.

Submission:

Juno Genomics, Hangzhou Juno Genomics, Inc
Classification: Likely pathogenic for Short stature, Dauber-Argente type. Review status: criteria provided, single submitter. Criteria: ACMG Guidelines, 2015. Collection method: clinical testing. Allele origin: germline.
Comment: Null variant in a gene where loss of function (LOF) is a known mechanism of disease.;Absent from controls (or at extremely low frequency if recessive) in Genome Aggregation Database.

NM_020318.3(PAPPA2):c.2838C>A (p.Cys946Ter)

Gene: PAPPA2 (pappalysin 2; plus strand). Cytogenetic location: 1q25.2.
Variant type: single nucleotide variant.
Coding change: c.2838C>A on transcript NM_020318.3 (MANE Select); coding-DNA position 2838, C replaced by A.
Protein change: p.Cys946Ter; replaces cysteine 946 with a stop codon.
Molecular consequence: nonsense.
Genome position (GRCh38, 1-based): chr1:176,699,191, C>A. VCF-style: chr1-176699191-C-A. GRCh37 (hg19) VCF-style: chr1-176668327-C-A.
Other names: short protein forms C946*.
Identifiers: ClinVar variation 5005336 (VCV005005336.2).